The following is an entry in ClinVar:

NM_002755.4(MAP2K1):c.153G>C (p.Glu51Asp)

Gene: MAP2K1 (mitogen-activated protein kinase kinase 1; plus strand). Cytogenetic location: 15q22.31.
Variant type: single nucleotide variant.
Coding change: c.153G>C on transcript NM_002755.4 (MANE Select); coding-DNA position 153, G replaced by C.
Protein change: p.Glu51Asp; replaces glutamic acid 51 with aspartic acid.
Molecular consequence: missense variant.
Genome position (GRCh38, 1-based): chr15:66,435,099, G>C. VCF-style: chr15-66435099-G-C. GRCh37 (hg19) VCF-style: chr15-66727437-G-C.
Other names: c.87G>C, p.Glu29Asp (NM_001411065.1); short protein forms E29D, E51D.
Identifiers: ClinVar variation 4710017 (VCV004710017.1).

ClinVar aggregate classification (germline): Uncertain significance (1 of 4 stars; one submission).

Conditions:
RASopathy. Also called: Noonan spectrum disorder; rasopathies. Identifiers: Orphanet 536391, MedGen C5555857, MONDO:0021060.

Submission:

Labcorp Genetics (formerly Invitae), Labcorp
Classification: Uncertain significance for RASopathy. Last evaluated: 2025-09-14. Review status: criteria provided, single submitter. Criteria: Invitae Variant Classification Sherloc (09022015). Collection method: clinical testing. Allele origin: germline.
Comment: This sequence change replaces glutamic acid, which is acidic and polar, with aspartic acid, which is acidic and polar, at codon 51 of the MAP2K1 protein (p.Glu51Asp). This variant is not present in population databases (gnomAD no frequency). This variant has not been reported in the literature in individuals affected with MAP2K1-related conditions. Invitae Evidence Modeling of protein sequence and biophysical properties (such as structural, functional, and spatial information, amino acid conservation, physicochemical variation, residue mobility, and thermodynamic stability) has been performed for this missense variant. However, the output from this modeling did not meet the statistical confidence thresholds required to predict the impact of this variant on MAP2K1 protein function. In summary, the available evidence is currently insufficient to determine the role of this variant in disease. Therefore, it has been classified as a Variant of Uncertain Significance.